The following is an entry in ClinVar:

ClinVar aggregate classification (germline): Pathogenic (1 of 4 stars; one submission).

Conditions:
Glutaric aciduria, type 1. Also called: Glutaricacidemia Type 1; Glutaricaciduria, type I; Glutaryl-CoA dehydrogenase deficiency; Glutaric Acidemia Type 1; GA I; Glutaric acidemia type I. Identifiers: Orphanet 25, MedGen C0268595, MONDO:0009281, OMIM 231670.

Submission:

Labcorp Genetics (formerly Invitae), Labcorp
Classification: Pathogenic for Glutaric aciduria, type 1. Last evaluated: 2025-06-29. Review status: criteria provided, single submitter. Criteria: Invitae Variant Classification Sherloc (09022015). Collection method: clinical testing. Allele origin: germline.
Comment: This sequence change creates a premature translational stop signal (p.Ala280Hisfs*11) in the GCDH gene. It is expected to result in an absent or disrupted protein product. Loss-of-function variants in GCDH are known to be pathogenic (PMID: 10699052, 11854167, 16602100). This variant is not present in population databases (gnomAD no frequency). This variant has not been reported in the literature in individuals affected with GCDH-related conditions. For these reasons, this variant has been classified as Pathogenic.

Literature cited by the submitters: PubMed 10699052; PubMed 11854167; PubMed 16602100.

NM_000159.4(GCDH):c.837del (p.Ala280fs)

Gene: GCDH (glutaryl-CoA dehydrogenase; plus strand). Cytogenetic location: 19p13.13.
Variant type: Deletion.
Coding change: c.837del on transcript NM_000159.4 (MANE Select); coding-DNA position 837, one base deleted (T; older notation c.837delT).
Protein change: p.Ala280fs; shifts the reading frame from alanine 280.
Molecular consequence: frameshift variant. On other transcripts: non-coding transcript variant (2).
Genome position (GRCh38, 1-based): chr19:12,896,406, T deleted. VCF-style (leftmost placement, unchanged base first): chr19-12896405-GT-G. GRCh37 (hg19) VCF-style: chr19-13007219-GT-G.
Other names: c.837del, p.Ala280fs (NM_013976.5); short protein forms A280fs.
Identifiers: ClinVar variation 4722102 (VCV004722102.1).